The following is an entry in ClinVar:

ClinVar aggregate classification (germline): Conflicting classifications of pathogenicity. Review status: criteria provided, conflicting classifications (1 of 4 stars). 9 submissions from 9 submitters: Likely pathogenic (1); Uncertain significance (8). Last evaluated 2026-03-05.

Conditions:
Cardiovascular phenotype. Identifiers: MedGen CN230736.
Hypertrophic cardiomyopathy. Also called: HYPERTROPHIC MYOCARDIOPATHY. Identifiers: Orphanet 217569, MedGen C0007194, MeSH D002312, MONDO:0005045, HP:0001639.
Myosin storage myopathy (CMYO7A). Also called: MYOPATHY, HYALINE BODY, AUTOSOMAL DOMINANT; MYH7-related late-onset scapuloperoneal muscular dystrophy; Congenital myopathy 7A, myosin storage, autosomal dominant; Scapuloperoneal myopathy, MYH7-related; MYOPATHY WITH LYSIS OF TYPE I MYOFIBRILS; SCAPULOPERONEAL MUSCULAR DYSTROPHY. Identifiers: Orphanet 437572, Orphanet 636965, MedGen C1842160, MONDO:0008409, OMIM 608358.
Hypertrophic cardiomyopathy 1 (CMH1). Also called: Familial hypertrophic cardiomyopathy 1; MYH7-Related Familial Hypertrophic Cardiomyopathy. Identifiers: MedGen C3495498, MONDO:0008647, OMIM 192600.
MYH7-related skeletal myopathy. Also called: Myopathy, distal, 1; Laing distal myopathy; Laing early-onset distal myopathy; MYOPATHY, DISTAL, EARLY-ONSET, AUTOSOMAL DOMINANT; MYOPATHY, LATE DISTAL HEREDITARY. Identifiers: Orphanet 59135, MedGen C4552004, MONDO:0008050, OMIM 160500.
Myopathy, myosin storage, autosomal recessive (CMYO7B). Also called: CONGENITAL MYOPATHY 7B, MYOSIN STORAGE, AUTOSOMAL RECESSIVE. Identifiers: Orphanet 636970, MedGen C1850709, MONDO:0009708, OMIM 255160.
Dilated cardiomyopathy 1S (CMD1S). Identifiers: Orphanet 154, Orphanet 54260, MedGen C1834481, MONDO:0013262, OMIM 613426.
Congenital myopathy with fiber type disproportion. Also called: Congenital fiber-type disproportion; Congenital fiber-type disproportion myopathy. Identifiers: Orphanet 2020, MedGen C0546264, MONDO:0009711. Inheritance: all.
Cardiomyopathy (CMYO). Also called: Cardiomyopathies. Identifiers: Orphanet 167848, MedGen C0878544, MONDO:0004994, HP:0001638. Inheritance: Various modes of inheritance.

Allele frequency attached by ClinVar (database versions not stated): TOPMed 0.00003; ExAC 0.00004; gnomAD 0.00005 and 0.00003; gnomAD exomes 0.00002 and 0.00003.
gnomAD v4.1: 32 of 1,614,190 alleles (0.002%); highest among the groups gnomAD compares: East Asian, 0.0089%; no homozygotes.

Submissions (9):

Ambry Genetics
Classification: Uncertain significance for Cardiovascular phenotype. Last evaluated: 2026-03-05. Review status: criteria provided, single submitter. Criteria: Ambry Variant Classification Scheme 2023. Collection method: clinical testing. Allele origin: germline.
Comment: The p.A1632T variant (also known as c.4894G>A), located in coding exon 32 of the MYH7 gene, results from a G to A substitution at nucleotide position 4894. The alanine at codon 1632 is replaced by threonine, an amino acid with similar properties. This amino acid position is highly conserved in available vertebrate species. In addition, the in silico prediction for this alteration is inconclusive. Based on the available evidence, the clinical significance of this variant remains unclear.

Labcorp Genetics (formerly Invitae), Labcorp
Classification: Likely pathogenic for Hypertrophic cardiomyopathy. Last evaluated: 2026-01-07. Review status: criteria provided, single submitter. Criteria: Invitae Variant Classification Sherloc (09022015). Collection method: clinical testing. Allele origin: germline.
Comment: This sequence change replaces alanine, which is neutral and non-polar, with threonine, which is neutral and polar, at codon 1632 of the MYH7 protein (p.Ala1632Thr). This variant is present in population databases (rs565663412, gnomAD 0.02%). This missense change has been observed in individuals with dilated cardiomyopathy and/or left ventricular noncompaction (PMID: 37342443; internal data). ClinVar contains an entry for this variant (Variation ID: 924864). Invitae Evidence Modeling of protein sequence and biophysical properties (such as structural, functional, and spatial information, amino acid conservation, physicochemical variation, residue mobility, and thermodynamic stability) indicates that this missense variant is expected to disrupt MYH7 protein function with a positive predictive value of 95%. In summary, the currently available evidence indicates that the variant is pathogenic, but additional data are needed to prove that conclusively. Therefore, this variant has been classified as Likely Pathogenic.

Color Diagnostics, LLC DBA Color Health
Classification: Uncertain significance for Cardiomyopathy. Last evaluated: 2025-07-01. Review status: criteria provided, single submitter. Criteria: ACMG Guidelines, 2015. Collection method: clinical testing. Allele origin: germline.
Comment: This missense variant replaces alanine with threonine at codon 1632 of the MYH7 protein. Computational prediction is inconclusive regarding the impact of this variant on protein structure and function. To our knowledge, functional studies have not been reported for this variant. This variant has been reported in an individual affected with left ventricular non-compactionthis individual also carried a truncation variant in the TTN gene (PMID: 37342443). This variant has been identified in 8/251458 chromosomes in the general population by the Genome Aggregation Database (gnomAD). The available evidence is insufficient to determine the role of this variant in disease conclusively. Therefore, this variant is classified as a Variant of Uncertain Significance.

All of Us Research Program, National Institutes of Health
Classification: Uncertain significance for Cardiomyopathy. Last evaluated: 2024-09-23. Review status: criteria provided, single submitter. Criteria: ACMG Guidelines, 2015. Collection method: clinical testing. Allele origin: germline. Inheritance: Autosomal dominant inheritance. Observed: 6 variant alleles, 6 heterozygotes.
Comment: This missense variant replaces alanine with threonine at codon 1632 of the MYH7 protein. Computational prediction is inconclusive regarding the impact of this variant on protein structure and function (internally defined REVEL score threshold 0.5 < inconclusive < 0.7, PMID: 27666373). To our knowledge, functional studies have not been reported for this variant. This variant has not been reported in individuals affected with MYH7-related disorders in the literature. This variant has been identified in 8/251458 chromosomes in the general population by the Genome Aggregation Database (gnomAD). The available evidence is insufficient to determine the role of this variant in disease conclusively. Therefore, this variant is classified as a Variant of Uncertain Significance.

This study involves interpretation of variants in research participants for the purpose of population health screening. Participant phenotype was not available at the time of variant classification. Additional details can be found in publication PMID: 35346344, PMCID: PMC8962531

Mayo Clinic Laboratories, Mayo Clinic
Classification: Uncertain significance. Last evaluated: 2024-04-11. Review status: criteria provided, single submitter. Criteria: ACMG Guidelines, 2015. Collection method: clinical testing. Allele origin: germline. Observed: 2 variant alleles.
Comment: PM2

GeneDx
Classification: Uncertain significance. Last evaluated: 2022-08-03. Review status: criteria provided, single submitter. Criteria: GeneDx Variant Classification Process June 2021. Collection method: clinical testing. Allele origin: germline. Affected: yes.
Comment: Has not been previously published as pathogenic or benign to our knowledge; In silico analysis supports that this missense variant has a deleterious effect on protein structure/function

Fulgent Genetics
Classification: Uncertain significance for MYH7-related skeletal myopathy; Myosin storage myopathy; Hypertrophic cardiomyopathy 1; Myopathy, myosin storage, autosomal recessive; Congenital myopathy 4A, autosomal dominant; Dilated cardiomyopathy 1S. Last evaluated: 2021-10-04. Review status: criteria provided, single submitter. Criteria: ACMG Guidelines, 2015. Collection method: clinical testing. Allele origin: unknown.

Petrovsky National Research Centre of Surgery, The Federal Agency for Scientific Organizations
Classification: Uncertain significance. Last evaluated: 2020-10-16. Review status: criteria provided, single submitter. Criteria: ACMG Guidelines, 2015. Collection method: clinical testing. Allele origin: unknown. Inheritance: Autosomal dominant inheritance. Affected: yes. Observed: 1 heterozygote.
Comment: The frequency of p.A1632T genetic variant in gnomAD database is 3.181e-5. It was also described in the Atas of Genetic Variation. According to online bioinformatic tools, the p.A1632T genetic variant is probably damaging. However, in the absence of familial screening and functional studies, we classify the p.A1632T genetic variant as a variant of uncertain clinical significance.

Breakthrough Genomics
Classification: Uncertain significance. Review status: criteria provided, single submitter. Criteria: ACMG Guidelines, 2015. Collection method: not provided. Allele origin: germline. Inheritance: Autosomal recessive inheritance. Affected: yes.

Literature cited by the submitters: PubMed 37342443 (cited by 3 submitters).

NM_000257.4(MYH7):c.4894G>A (p.Ala1632Thr)

Genes: MHRT (myosin heavy chain associated RNA transcript; plus strand), MYH7 (myosin heavy chain 7; minus strand), LOC126861897 (BRD4-independent group 4 enhancer GRCh37_chr14:23884455-23885654; plus strand). Cytogenetic location: 14q11.2.
Variant type: single nucleotide variant.
Coding change: c.4894G>A on transcript NM_000257.4 (MANE Select); coding-DNA position 4894, G replaced by A.
Protein change: p.Ala1632Thr; replaces alanine 1632 with threonine.
Molecular consequence: missense variant. On other transcripts: non-coding transcript variant (1).
Genome position (GRCh38, 1-based): chr14:23,416,063, C>T on the plus strand (G>A on the coding strand, the complement: MYH7 is on the minus strand). VCF-style: chr14-23416063-C-T. GRCh37 (hg19) VCF-style: chr14-23885272-C-T.
Other names: p.Ala1632Thr; c.4894G>A (NM_000257.2); short protein forms A1632T.
Identifiers: ClinVar variation 924864 (VCV000924864.32), dbSNP rs565663412, ClinGen allele CA044125.